The following is an entry in ClinVar:

NM_014915.3(ANKRD26):c.4570A>G (p.Ser1524Gly)

Gene: ANKRD26 (ankyrin repeat domain 26; minus strand). Cytogenetic location: 10p12.1.
Variant type: single nucleotide variant.
Coding change: c.4570A>G on transcript NM_014915.3 (MANE Select); coding-DNA position 4570, A replaced by G.
Protein change: p.Ser1524Gly; replaces serine 1524 with glycine.
Molecular consequence: missense variant.
Genome position (GRCh38, 1-based): chr10:27,014,648, T>C on the plus strand (A>G on the coding strand, the complement: ANKRD26 is on the minus strand). VCF-style: chr10-27014648-T-C. GRCh37 (hg19) VCF-style: chr10-27303577-T-C.
Other names: c.4567A>G, p.Ser1523Gly (NM_001256053.2); short protein forms S1523G, S1524G.
Identifiers: ClinVar variation 3241996 (VCV003241996.1), dbSNP rs2053229860.

ClinVar aggregate classification (germline): Uncertain significance (1 of 4 stars; one submission).

Conditions:
Thrombocytopenia 2 (THC2). Also called: ANKRD26-Related Thrombocytopenia. Identifiers: Orphanet 268322, MedGen C1861185, MONDO:0008555, OMIM 188000.

Allele frequency attached by ClinVar (database versions not stated): TOPMed below 0.00001.

Submission:

Neuberg Centre For Genomic Medicine, NCGM
Classification: Uncertain significance for Thrombocytopenia 2. Review status: criteria provided, single submitter. Criteria: ACMG Guidelines, 2015. Collection method: clinical testing. Allele origin: germline. Inheritance: Autosomal dominant inheritance. Affected: yes.
Comment: The missense c.4570A>G(p.Ser1524Gly) variant in ANKRD26 gene has not been reported previously as a pathogenic variant nor as a benign variant, to our knowledge. This variant is absent in gnomAD Exomes and 1000 Genomes. The amino acid Ser at position 1524 is changed to a Gly changing protein sequence and it might alter its composition and physico-chemical properties. The amino acid change p.Ser1524Gly in ANKRD26 is predicted as conserved by GERP++ and PhyloP across 100 vertebrates. The variant is predicted as damaging by SIFT. For these reasons, this variant has been classified as Uncertain Significance.